The following is an entry in ClinVar:

NM_000152.5(GAA):c.1174A>C (p.Thr392Pro)

Gene: GAA (alpha glucosidase; plus strand). Cytogenetic location: 17q25.3.
Variant type: single nucleotide variant.
Coding change: c.1174A>C on transcript NM_000152.5 (MANE Select); coding-DNA position 1174, A replaced by C.
Protein change: p.Thr392Pro; replaces threonine 392 with proline.
Molecular consequence: missense variant.
Genome position (GRCh38, 1-based): chr17:80,108,587, A>C. VCF-style: chr17-80108587-A-C. GRCh37 (hg19) VCF-style: chr17-78082386-A-C.
Other names: c.1174A>C, p.Thr392Pro (NM_001079803.3, NM_001079804.3, NM_001406741.1 and 1 more transcripts); short protein forms T392P.
Identifiers: ClinVar variation 4876274 (VCV004876274.1).

ClinVar aggregate classification (germline): Uncertain significance (1 of 4 stars; one submission).

Conditions:
Glycogen storage disease, type II (IOPD). Also called: Pompe Disease; CARDIOMEGALIA GLYCOGENICA DIFFUSA; GLYCOGENOSIS, GENERALIZED, CARDIAC FORM; GSD II; POMPE DISEASE, INFANTILE-ONSET; GLYCOGEN STORAGE DISEASE II, INFANTILE-ONSET. Identifiers: Orphanet 365, MedGen C0017921, MONDO:0009290, OMIM 232300.

Submission:

Genomenon, Inc
Classification: Uncertain significance for Glycogen storage disease, type II. Last evaluated: 2026-07-01. Review status: criteria provided, single submitter. Criteria: Genomenon Sequence Variant Interpretation Standards - Updated. Collection method: curation. Allele origin: germline. Affected: yes.
Comment: GAA p.Thr392Pro (c.1174A>C) is a missense variant that changes the amino acid at codon 392 from Threonine to Proline. This variant has been observed in at least one proband with a GAA-related disorder (PMID:40225932). It is absent or not present at a significant frequency in gnomAD. In silico models predict that this variant is possibly or probably damaging. In conclusion, we classify GAA p.Thr392Pro (c.1174A>C) as a variant of uncertain significance.

Literature cited by the submitters: PubMed 40225932.